The following is an entry in ClinVar:

ClinVar aggregate classification (germline): Uncertain significance (3 of 4 stars; one submission).

Conditions:
Monogenic diabetes. Identifiers: Orphanet 183625, MedGen C3888631, MONDO:0015967.

Submission:

ClinGen Monogenic Diabetes Variant Curation Expert Panel
Classification: Uncertain significance for Monogenic diabetes. Last evaluated: 2023-07-30. Review status: reviewed by expert panel. Criteria: ClinGen Diabetes ACMG Specifications HNF1A V2.0.0. Collection method: curation. Allele origin: germline. Inheritance: Autosomal dominant inheritance.
Comment: The c.727C>G variant in the HNF1 homeobox A gene, HNF1A, causes an amino acid change of glutamine to glutamic acid at codon 243 (p.(Gln243Glu)) of NM_000545.8. This variant is located within a conserved region of the DNA binding domain (codons 107-174 and 201-280) of HNF1A, which is defined as critical for the protein’s function by the ClinGen MDEP (PM1_Supporting). Additionally, this variant is predicted to be deleterious by computational evidence, with a REVEL score of 0.8659, which is greater than the MDEP VCEP threshold of 0.70 (PP3). This variant is absent from gnomAD v2.1.1 (PM2_Supporting), and was identified in an individual with diabetes; however, the MODY probability is unable to be calculated due to lack of clinical information (PMID: 15657605). This variant segregated with diabetes with two informative meioses in a single family; however, this does not meet the thresholds for PP1 set by the ClinGen MDEP (PMIDs: 27236918, 15657605). In summary, c.727C>G meets the criteria to be classified as a variant of uncertain significance for monogenic diabetes. ACMG/AMP criteria applied, as specified by the ClinGen MDEP (specification version 2.0.0, approved 1/11/2023): PP3, PM1_Supporting, PM2_Supporting.

NM_000545.8(HNF1A):c.727C>G (p.Gln243Glu)

Gene: HNF1A (HNF1 homeobox A; plus strand). Cytogenetic location: 12q24.31.
Variant type: single nucleotide variant.
Coding change: c.727C>G on transcript NM_000545.8 (MANE Select); coding-DNA position 727, C replaced by G.
Protein change: p.Gln243Glu; replaces glutamine 243 with glutamic acid.
Molecular consequence: missense variant.
Genome position (GRCh38, 1-based): chr12:120,994,177, C>G. VCF-style: chr12-120994177-C-G. GRCh37 (hg19) VCF-style: chr12-121431980-C-G.
Other names: NM_001306179.2:c.727C>G; c.727C>G, p.Gln243Glu (NM_001306179.2, NM_001406915.1); short protein forms Q243E.
Identifiers: ClinVar variation 2574165 (VCV002574165.1), dbSNP rs2135841160, ClinGen allele CA386965806.
Genomic context (GRCh38, chr12:120,994,177, plus strand): 5'-GTTCCTCTGAGCCTGGCCTGGAGGCTCATGGGTGGCTATTTCTGCAGGGCGGAATGCATC[C>G]AGAGAGGGGTGTCCCCATCACAGGCACAGGGGCTGGGCTCCAACCTCGTCACGGAGGTGC-3'
Protein context (NP_000536.6, residues 233-253): VEECNRAECI[Gln243Glu]RGVSPSQAQG